The following is an entry in ClinVar:

ClinVar aggregate classification (germline): Likely benign. Review status: criteria provided, multiple submitters, no conflicts (2 of 4 stars). 4 submissions from 4 submitters: Likely benign (3). 1 of the submissions does not count toward it. Last evaluated 2026-05-01.

Conditions:
PIEZO1-related disorder. Also called: PIEZO1-related condition; PIEZO1-Related Disorders.

Allele frequency attached by ClinVar (database versions not stated): ExAC 0.00005.
gnomAD v4.1: 153 of 1,550,336 alleles (0.0099%); highest among the groups gnomAD compares: Middle Eastern, 0.083%; no homozygotes.

Submissions (4):

CeGaT Center for Human Genetics Tuebingen
Classification: Likely benign. Last evaluated: 2026-05-01. Review status: criteria provided, single submitter. Criteria: CeGaT Center For Human Genetics Tuebingen Variant Classification Criteria Version 2. Collection method: clinical testing. Allele origin: germline. Affected: yes. Observed: 2 variant alleles.
Comment: PIEZO1: BP4, BP7

Labcorp Genetics (formerly Invitae), Labcorp
Classification: Likely benign. Last evaluated: 2025-06-12. Review status: criteria provided, single submitter. Criteria: Invitae Variant Classification Sherloc (09022015). Collection method: clinical testing. Allele origin: germline.

Blueprint Genetics
Classification: Likely benign. Last evaluated: 2024-10-15. Review status: criteria provided, single submitter. Criteria: ACMG Guidelines, 2015. Collection method: clinical testing. Allele origin: germline.

PreventionGenetics, part of Exact Sciences
Classification: Likely benign for PIEZO1-related condition. Last evaluated: 2024-07-17. Review status: no assertion criteria provided. Collection method: clinical testing. Allele origin: germline. Not counted in ClinVar's aggregate classification.
Comment: This variant is classified as likely benign based on ACMG/AMP sequence variant interpretation guidelines (Richards et al. 2015 PMID: 25741868, with internal and published modifications).

NM_001142864.4(PIEZO1):c.1671G>A (p.Glu557=)

Genes: HSALR1 (HSP90AB1 associated lncRNA 1; plus strand), PIEZO1 (piezo type mechanosensitive ion channel component 1 (Er blood group); minus strand). Cytogenetic location: 16q24.3.
Variant type: single nucleotide variant.
Coding change: c.1671G>A on transcript NM_001142864.4 (MANE Select); coding-DNA position 1671, G replaced by A.
Protein change: p.Glu557=; no amino-acid change (glutamic acid 557 retained).
Molecular consequence: synonymous variant.
Genome position (GRCh38, 1-based): chr16:88,735,052, C>T on the plus strand (G>A on the coding strand, the complement: PIEZO1 is on the minus strand). VCF-style: chr16-88735052-C-T. GRCh37 (hg19) VCF-style: chr16-88801460-C-T.
Other names: c.1671G>A (NM_001142864.3); c.216G>A, p.Glu72= (NM_014745.1).
Identifiers: ClinVar variation 2180273 (VCV002180273.14), dbSNP rs771989100, ClinGen allele CA8232936.